The following is an entry in ClinVar:

NM_001384732.1(CPLANE1):c.4427C>G (p.Thr1476Arg)

Genes: CPLANE1 (ciliogenesis and planar polarity effector complex subunit 1; minus strand), LOC129389274 (MPRA-validated peak5227 silencer; plus strand). Cytogenetic location: 5p13.2.
Variant type: single nucleotide variant.
Coding change: c.4427C>G on transcript NM_001384732.1 (MANE Select); coding-DNA position 4427, C replaced by G.
Protein change: p.Thr1476Arg; replaces threonine 1476 with arginine.
Molecular consequence: missense variant.
Genome position (GRCh38, 1-based): chr5:37,184,842, G>C on the plus strand (C>G on the coding strand, the complement: CPLANE1 is on the minus strand). VCF-style: chr5-37184842-G-C. GRCh37 (hg19) VCF-style: chr5-37184944-G-C.
Other names: c.4427C>G, p.Thr1476Arg (NM_023073.4); short protein forms T1476R.
Identifiers: ClinVar variation 2096123 (VCV002096123.4), dbSNP rs1396140286, ClinGen allele CA359499352.
Genomic context (GRCh38, chr5:37,184,842, plus strand): 5'-TTGTACCTTTGATAGATATTTATCCTACTTTTTTCTTCAACCGACAAAGCTTCAGAGAAC[G>C]TATCTGCATCACTGTGAACCACAGAATCTCCTAGTTCTGTGAGTGTACTTCTGCTCAAAC-3'
Protein context (NP_001371661.1, residues 1466-1486): GDSVVHSDAD[Thr1476Arg]FSEALSVEEK

ClinVar aggregate classification (germline): Uncertain significance (1 of 4 stars; one submission).

Submission:

Labcorp Genetics (formerly Invitae), Labcorp
Classification: Uncertain significance. Last evaluated: 2022-05-29. Review status: criteria provided, single submitter. Criteria: Invitae Variant Classification Sherloc (09022015). Collection method: clinical testing. Allele origin: germline.
Comment: This sequence change replaces threonine, which is neutral and polar, with arginine, which is basic and polar, at codon 1476 of the CPLANE1 protein (p.Thr1476Arg). This variant is not present in population databases (gnomAD no frequency). This variant has not been reported in the literature in individuals affected with CPLANE1-related conditions. Algorithms developed to predict the effect of missense changes on protein structure and function are either unavailable or do not agree on the potential impact of this missense change (SIFT: "Deleterious"; PolyPhen-2: "Possibly Damaging"; Align-GVGD: "Class C0"). Algorithms developed to predict the effect of sequence changes on RNA splicing suggest that this variant may disrupt the consensus splice site. In summary, the available evidence is currently insufficient to determine the role of this variant in disease. Therefore, it has been classified as a Variant of Uncertain Significance.